The following is an entry in ClinVar:

NM_006421.5(ARFGEF1):c.3917C>T (p.Thr1306Ile)

Gene: ARFGEF1 (ARF guanine nucleotide exchange factor 1; minus strand). Cytogenetic location: 8q13.2.
Variant type: single nucleotide variant.
Coding change: c.3917C>T on transcript NM_006421.5 (MANE Select); coding-DNA position 3917, C replaced by T.
Protein change: p.Thr1306Ile; replaces threonine 1306 with isoleucine.
Molecular consequence: missense variant. On other transcripts: non-coding transcript variant (1).
Genome position (GRCh38, 1-based): chr8:67,226,183, G>A on the plus strand (C>T on the coding strand, the complement: ARFGEF1 is on the minus strand). VCF-style: chr8-67226183-G-A. GRCh37 (hg19) VCF-style: chr8-68138418-G-A.
Other names: c.3917C>T, p.Thr1306Ile (NM_001413184.1, NM_001413185.1, NM_001413186.1 and 6 more transcripts); c.3317C>T, p.Thr1106Ile (NM_001413188.1, NM_001413193.1, NM_001413197.1); c.3911C>T, p.Thr1304Ile (NM_001413190.1); c.2492C>T, p.Thr831Ile (NM_001413196.1); short protein forms T831I, T1106I, T1304I, T1306I.
Identifiers: ClinVar variation 4131302 (VCV004131302.2).

ClinVar aggregate classification (germline): Likely benign. Review status: criteria provided, multiple submitters, no conflicts (2 of 4 stars). 2 submissions from 2 submitters: Likely benign (2). Last evaluated 2026-08-01.

Conditions:
Inborn genetic diseases. Identifiers: MedGen C0950123, MeSH D030342.

gnomAD v4.1: 57 of 1,581,454 alleles (0.0036%); highest among the groups gnomAD compares: Middle Eastern, 0.034%; no homozygotes.

Submissions (2):

CeGaT Center for Human Genetics Tuebingen
Classification: Likely benign. Last evaluated: 2026-08-01. Review status: criteria provided, single submitter. Criteria: CeGaT Center For Human Genetics Tuebingen Variant Classification Criteria Version 2. Collection method: clinical testing. Allele origin: germline. Affected: yes. Observed: 1 variant allele.
Comment: ARFGEF1: BS2

Ambry Genetics
Classification: Likely benign for Inborn genetic diseases. Last evaluated: 2025-07-31. Review status: criteria provided, single submitter. Criteria: Ambry Variant Classification Scheme 2023. Collection method: clinical testing. Allele origin: germline.